The following is an entry in ClinVar:

ClinVar aggregate classification (germline): Uncertain significance (1 of 4 stars; one submission).

gnomAD v4.1: 7 of 1,614,226 alleles (0.00043%); highest among the groups gnomAD compares: East Asian, 0.016%; no homozygotes.

Submission:

Women's Health and Genetics/Laboratory Corporation of America, LabCorp
Classification: Uncertain significance. Last evaluated: 2024-11-27. Review status: criteria provided, single submitter. Criteria: LabCorp Variant Classification Summary - May 2015. Collection method: clinical testing. Allele origin: germline.
Comment: Variant summary: HIVEP2 c.31A>C (p.Lys11Gln) results in a conservative amino acid change in the encoded protein sequence. Four of five in-silico tools predict a benign effect of the variant on protein function. The variant allele was found at a frequency of 2.8e-05 in 249506 control chromosomes. The available data on variant occurrences in the general population are insufficient to allow any conclusion about variant significance. To our knowledge, c.31A>C has not been reported in the literature in individuals affected with Intellectual Disability, Autosomal Dominant 43 and no experimental evidence demonstrating an impact on protein function has been reported. No submitters have cited clinical-significance assessments for this variant to ClinVar. Based on the evidence outlined above, the variant was classified as uncertain significance.

Literature cited by the submitters: PubMed 28222800.

NM_006734.4(HIVEP2):c.31A>C (p.Lys11Gln)

Gene: HIVEP2 (HIVEP zinc finger 2; minus strand). Cytogenetic location: 6q24.2.
Variant type: single nucleotide variant.
Coding change: c.31A>C on transcript NM_006734.4 (MANE Select); coding-DNA position 31, A replaced by C.
Protein change: p.Lys11Gln; replaces lysine 11 with glutamine.
Molecular consequence: missense variant.
Genome position (GRCh38, 1-based): chr6:142,774,708, T>G on the plus strand (A>C on the coding strand, the complement: HIVEP2 is on the minus strand). VCF-style: chr6-142774708-T-G. GRCh37 (hg19) VCF-style: chr6-143095845-T-G.
Other names: short protein forms K11Q.
Identifiers: ClinVar variation 3629490 (VCV003629490.2).